The following is an entry in ClinVar:

NM_052867.4(NALCN):c.175A>G (p.Met59Val)

Gene: NALCN (sodium leak channel, non-selective; minus strand). Cytogenetic location: 13q33.1.
Variant type: single nucleotide variant.
Coding change: c.175A>G on transcript NM_052867.4 (MANE Select); coding-DNA position 175, A replaced by G.
Protein change: p.Met59Val; replaces methionine 59 with valine.
Molecular consequence: missense variant.
Genome position (GRCh38, 1-based): chr13:101,395,299, T>C on the plus strand (A>G on the coding strand, the complement: NALCN is on the minus strand). VCF-style: chr13-101395299-T-C. GRCh37 (hg19) VCF-style: chr13-102047650-T-C.
Other names: c.175A>G, p.Met59Val (NM_001350748.2, NM_001350749.2, NM_001350750.2 and 1 more transcripts); short protein forms M59V.
Identifiers: ClinVar variation 769853 (VCV000769853.11), dbSNP rs77203309, ClinGen allele CA7036529.

ClinVar aggregate classification (germline): Likely benign. Review status: criteria provided, multiple submitters, no conflicts (2 of 4 stars). 3 submissions from 3 submitters: Likely benign (2). 1 of the submissions does not count toward it. Last evaluated 2026-01-21.

Conditions:
NALCN-related disorder. Also called: NALCN-related condition; NALCN-related disorders.

Allele frequency attached by ClinVar (database versions not stated): gnomAD 0.00009; ExAC 0.00043; gnomAD exomes 0.00043 and 0.00008; ESP Exome Variant Server 0.00008; TOPMed 0.00017.
gnomAD v4.1: 130 of 1,613,972 alleles (0.0081%); highest among the groups gnomAD compares: Admixed American, 0.21%; no homozygotes.

Submissions (3):

Labcorp Genetics (formerly Invitae), Labcorp
Classification: Likely benign. Last evaluated: 2026-01-21. Review status: criteria provided, single submitter. Criteria: Invitae Variant Classification Sherloc (09022015). Collection method: clinical testing. Allele origin: germline.

GeneDx
Classification: Likely benign. Last evaluated: 2020-12-17. Review status: criteria provided, single submitter. Criteria: GeneDx Variant Classification Process June 2021. Collection method: clinical testing. Allele origin: germline. Affected: yes.

PreventionGenetics, part of Exact Sciences
Classification: Likely benign for NALCN-related condition. Last evaluated: 2022-07-01. Review status: no assertion criteria provided. Collection method: clinical testing. Allele origin: germline. Not counted in ClinVar's aggregate classification.
Comment: This variant is classified as likely benign based on ACMG/AMP sequence variant interpretation guidelines (Richards et al. 2015 PMID: 25741868, with internal and published modifications).